The following is an entry in ClinVar:

NM_001042492.3(NF1):c.393A>C (p.Ala131=)

Gene: NF1 (neurofibromin 1; plus strand). Cytogenetic location: 17q11.2.
Variant type: single nucleotide variant.
Coding change: c.393A>C on transcript NM_001042492.3 (MANE Select); coding-DNA position 393, A replaced by C.
Protein change: p.Ala131=; no amino-acid change (alanine 131 retained).
Molecular consequence: synonymous variant.
Genome position (GRCh38, 1-based): chr17:31,163,290, A>C. VCF-style: chr17-31163290-A-C. GRCh37 (hg19) VCF-style: chr17-29490308-A-C.
Other names: c.393A>C, p.Ala131= (NM_000267.4, NM_001128147.3).
Identifiers: ClinVar variation 185776 (VCV000185776.17), dbSNP rs761086521, ClinGen allele CA192896.

ClinVar aggregate classification (germline): Benign/Likely benign. Review status: criteria provided, multiple submitters, no conflicts (2 of 4 stars). 7 submissions from 7 submitters: Benign (1); Likely benign (6). Last evaluated 2026-05-14.

Conditions:
Hereditary cancer-predisposing syndrome. Also called: Tumor predisposition; Hereditary neoplastic syndrome; Neoplastic Syndromes, Hereditary; Hereditary Cancer Syndrome. Identifiers: Orphanet 140162, MedGen C0027672, MeSH D009386, MONDO:0015356.
Neurofibromatosis, type 1 (NF1). Also called: Neurofibromatosis, type I; NEUROFIBROMATOSIS, TYPE I, SOMATIC; VON RECKLINGHAUSEN DISEASE; Peripheral type neurofibromatosis. Identifiers: Orphanet 636, MedGen C0027831, MONDO:0018975, OMIM 162200. Disease mechanism: loss of function.

Allele frequency attached by ClinVar (database versions not stated): ExAC 0.00001; gnomAD 0.00005 and 0.00006; gnomAD exomes below 0.00001; TOPMed 0.00004.
gnomAD v4.1: 8 of 1,614,038 alleles (0.0005%); highest among the groups gnomAD compares: African/African-American, 0.011%; no homozygotes.

Submissions (7):

Myriad Genetics, Inc.
Classification: Benign for Neurofibromatosis, type 1. Last evaluated: 2026-05-14. Review status: criteria provided, single submitter. Criteria: Myriad Autosomal Dominant, Autosomal Recessive and X-Linked Classification Criteria (2023). Collection method: clinical testing. Allele origin: unknown.
Comment: This variant is considered benign. This variant is a silent/synonymous amino acid change and it is not expected to impact splicing.

Labcorp Genetics (formerly Invitae), Labcorp
Classification: Likely benign for Neurofibromatosis, type 1. Last evaluated: 2026-01-28. Review status: criteria provided, single submitter. Criteria: Invitae Variant Classification Sherloc (09022015). Collection method: clinical testing. Allele origin: germline.

Genome-Nilou Lab
Classification: Likely benign for Neurofibromatosis, type 1. Last evaluated: 2022-03-15. Review status: criteria provided, single submitter. Criteria: ACMG Guidelines, 2015. Collection method: clinical testing. Allele origin: germline. Affected: no.

Sema4
Classification: Likely benign for Hereditary cancer-predisposing syndrome. Last evaluated: 2021-11-27. Review status: criteria provided, single submitter. Criteria: Sema4 Curation Guidelines. Collection method: curation. Allele origin: germline.

Athena Diagnostics
Classification: Likely benign. Last evaluated: 2021-04-20. Review status: criteria provided, single submitter. Criteria: Athena Diagnostics criteria. Collection method: clinical testing. Allele origin: unknown.

Quest Diagnostics Nichols Institute San Juan Capistrano
Classification: Likely benign. Last evaluated: 2021-04-20. Review status: criteria provided, single submitter. Criteria: Quest Diagnostics criteria. Collection method: clinical testing. Allele origin: unknown.

Ambry Genetics
Classification: Likely benign for Hereditary cancer-predisposing syndrome. Last evaluated: 2014-08-01. Review status: criteria provided, single submitter. Criteria: Ambry Autosomal Dominant and X-Linked criteria (10/2015). Collection method: clinical testing. Allele origin: germline. Observed: 1 variant allele.